The following is an entry in ClinVar:

NM_004820.5(CYP7B1):c.572T>A (p.Ile191Asn)

Gene: CYP7B1 (cytochrome P450 family 7 subfamily B member 1; minus strand). Cytogenetic location: 8q12.3.
Variant type: single nucleotide variant.
Coding change: c.572T>A on transcript NM_004820.5 (MANE Select); coding-DNA position 572, T replaced by A.
Protein change: p.Ile191Asn; replaces isoleucine 191 with asparagine.
Molecular consequence: missense variant.
Genome position (GRCh38, 1-based): chr8:64,615,969, A>T on the plus strand (T>A on the coding strand, the complement: CYP7B1 is on the minus strand). VCF-style: chr8-64615969-A-T. GRCh37 (hg19) VCF-style: chr8-65528526-A-T.
Other names: c.572T>A, p.Ile191Asn (NM_001324112.2); short protein forms I191N.
Identifiers: ClinVar variation 3770009 (VCV003770009.1).
Genomic context (GRCh38, chr8:64,615,969, plus strand): 5'-TCACTAATAAATTTGTTGTTGTCACAAACAATAACTTTTCCATATATAGTTGTAAATGTG[A>T]TCTCAAATATTATTGAGCTGCAGAATGGATACAGTTCTGCCGTGTCCCAACTTGTGGTTT-3'
Protein context (NP_004811.1, residues 181-201): YPFCSSIIFE[Ile191Asn]TFTTIYGKVI

ClinVar aggregate classification (germline): Uncertain significance (1 of 4 stars; one submission).

gnomAD v4.1: 4 of 1,613,740 alleles (0.00025%); highest among the groups gnomAD compares: Non-Finnish European, 0.00034%; no homozygotes.

Submission:

GeneDx
Classification: Uncertain significance. Last evaluated: 2024-09-12. Review status: criteria provided, single submitter. Criteria: GeneDx Variant Classification Process June 2021. Collection method: clinical testing. Allele origin: germline. Affected: yes.
Comment: Not observed at significant frequency in large population cohorts (gnomAD); In silico analysis indicates that this missense variant does not alter protein structure/function; Has not been previously published as pathogenic or benign to our knowledge